The following is an entry in ClinVar:

ClinVar aggregate classification (germline): Likely benign (0 of 4 stars; one submission).

Conditions:
HOXD12-related disorder. Also called: HOXD12-related condition.

Allele frequency attached by ClinVar (database versions not stated): ExAC 0.00066; ESP Exome Variant Server 0.00080; gnomAD 0.00131; 1000 Genomes Project 30x 0.00141; TOPMed 0.00156; 1000 Genomes Project 0.00220.
gnomAD v4.1: 376 of 1,566,886 alleles (0.024%); highest among the groups gnomAD compares: African/African-American, 0.42%; 2 homozygotes.

Submission:

PreventionGenetics, part of Exact Sciences
Classification: Likely benign for HOXD12-related condition. Last evaluated: 2022-04-07. Review status: no assertion criteria provided. Collection method: clinical testing. Allele origin: germline.
Comment: This variant is classified as likely benign based on ACMG/AMP sequence variant interpretation guidelines (Richards et al. 2015 PMID: 25741868, with internal and published modifications).

NM_021193.4(HOXD12):c.223C>A (p.Pro75Thr)

Gene: HOXD12 (homeobox D12; plus strand). Cytogenetic location: 2q31.1.
Variant type: single nucleotide variant.
Coding change: c.223C>A on transcript NM_021193.4 (MANE Select); coding-DNA position 223, C replaced by A.
Protein change: p.Pro75Thr; replaces proline 75 with threonine.
Molecular consequence: missense variant.
Genome position (GRCh38, 1-based): chr2:176,100,024, C>A. VCF-style: chr2-176100024-C-A. GRCh37 (hg19) VCF-style: chr2-176964752-C-A.
Other names: short protein forms P75T.
Identifiers: ClinVar variation 3052669 (VCV003052669.2), dbSNP rs146731562, ClinGen allele CA1976802.